The following is an entry in ClinVar:

ClinVar aggregate classification (germline): Uncertain significance. Review status: criteria provided, multiple submitters, no conflicts (2 of 4 stars). 2 submissions from 2 submitters: Uncertain significance (2). Last evaluated 2025-03-20.

Conditions:
Inborn genetic diseases. Identifiers: MedGen C0950123, MeSH D030342.

Allele frequency attached by ClinVar (database versions not stated): gnomAD 0.00004; ExAC 0.00002; gnomAD exomes 0.00004 and 0.00002; ESP Exome Variant Server 0.00008.
gnomAD v4.1: 60 of 1,602,516 alleles (0.0037%); highest among the groups gnomAD compares: Non-Finnish European, 0.0045%; no homozygotes.

Submissions (2):

Ambry Genetics
Classification: Uncertain significance for Inborn genetic diseases. Last evaluated: 2025-03-20. Review status: criteria provided, single submitter. Criteria: Ambry Variant Classification Scheme 2023. Collection method: clinical testing. Allele origin: germline.

GeneDx
Classification: Uncertain significance. Last evaluated: 2022-01-25. Review status: criteria provided, single submitter. Criteria: GeneDx Variant Classification Process June 2021. Collection method: clinical testing. Allele origin: germline. Affected: yes.
Comment: In silico analysis supports that this missense variant has a deleterious effect on protein structure/function; Has not been previously published as pathogenic or benign to our knowledge

NM_182641.4(BPTF):c.1661A>T (p.Glu554Val)

Gene: BPTF (bromodomain PHD finger transcription factor; plus strand). Cytogenetic location: 17q24.2.
Variant type: single nucleotide variant.
Coding change: c.1661A>T on transcript NM_182641.4 (MANE Select); coding-DNA position 1661, A replaced by T.
Protein change: p.Glu554Val; replaces glutamic acid 554 with valine.
Molecular consequence: missense variant.
Genome position (GRCh38, 1-based): chr17:67,874,817, A>T. VCF-style: chr17-67874817-A-T. GRCh37 (hg19) VCF-style: chr17-65870933-A-T.
Other names: c.1661A>T, p.Glu554Val (NM_004459.7); c.1661A>T (NM_182641.3); short protein forms E554V.
Identifiers: ClinVar variation 1699737 (VCV001699737.3), dbSNP rs375245234, ClinGen allele CA8725198.
Genomic context (GRCh38, chr17:67,874,817, plus strand): 5'-GGTACTGTTCTATTTGGTTATATATAGGAATAATTTTTTTGTTTGTTTTACACATTATAG[A>T]AGAAATTTTGGAATCCATAAGAGCCAAAAAGGGAGACATTGATAATGTTAAAAGCCCAGA-3'
Protein context (NP_872579.2, residues 544-564): SNKSFLAAAN[Glu554Val]EILESIRAKK